The following is an entry in ClinVar:

NM_001008537.3(NEXMIF):c.4190G>C (p.Gly1397Ala)

Gene: NEXMIF (neurite extension and migration factor; minus strand). Cytogenetic location: Xq13.3.
Variant type: single nucleotide variant.
Coding change: c.4190G>C on transcript NM_001008537.3 (MANE Select); coding-DNA position 4190, G replaced by C.
Protein change: p.Gly1397Ala; replaces glycine 1397 with alanine.
Molecular consequence: missense variant.
Genome position (GRCh38, 1-based): chrX:74,740,367, C>G on the plus strand (G>C on the coding strand, the complement: NEXMIF is on the minus strand). VCF-style: chrX-74740367-C-G. GRCh37 (hg19) VCF-style: chrX-73960202-C-G.
Other names: short protein forms G1397A.
Identifiers: ClinVar variation 3767498 (VCV003767498.1).
Genomic context (GRCh38, chrX:74,740,367, plus strand): 5'-CCAGGCATGTTTGCACGACCAGGATCACCTATTGCTGTTTTCCCATTGCTTTTGCTCACA[C>G]CCTTGATTGACCTGTGATTCTTAGTGGCTCCTTGGGACCCACTGTTGATCTTTTTCTTAG-3'
Protein context (NP_001008537.1, residues 1387-1407): GATKNHRSIK[Gly1397Ala]VSKSNGKTAI

ClinVar aggregate classification (germline): Uncertain significance (1 of 4 stars; one submission).

gnomAD v4.1: 1 of 1,212,014 alleles (0.000083%); highest among the groups gnomAD compares: Non-Finnish European, 0.00011%; no homozygotes.

Submission:

GeneDx
Classification: Uncertain significance. Last evaluated: 2024-09-08. Review status: criteria provided, single submitter. Criteria: GeneDx Variant Classification Process June 2021. Collection method: clinical testing. Allele origin: germline. Affected: yes.
Comment: Not observed at significant frequency in large population cohorts (gnomAD); In silico analysis indicates that this missense variant does not alter protein structure/function; Has not been previously published as pathogenic or benign to our knowledge